The following is an entry in ClinVar:

NM_031407.7(HUWE1):c.4100T>G (p.Leu1367Arg)

Gene: HUWE1 (HECT, UBA and WWE domain containing E3 ubiquitin protein ligase 1; minus strand). Cytogenetic location: Xp11.22.
Variant type: single nucleotide variant.
Coding change: c.4100T>G on transcript NM_031407.7 (MANE Select); coding-DNA position 4100, T replaced by G.
Protein change: p.Leu1367Arg; replaces leucine 1367 with arginine.
Molecular consequence: missense variant.
Genome position (GRCh38, 1-based): chrX:53,590,495, A>C on the plus strand (T>G on the coding strand, the complement: HUWE1 is on the minus strand). VCF-style: chrX-53590495-A-C. GRCh37 (hg19) VCF-style: chrX-53617455-A-C.
Other names: short protein forms L1367R.
Identifiers: ClinVar variation 3372134 (VCV003372134.1).

ClinVar aggregate classification (germline): Uncertain significance (1 of 4 stars; one submission).

Submission:

GeneDx
Classification: Uncertain significance. Last evaluated: 2024-04-05. Review status: criteria provided, single submitter. Criteria: GeneDx Variant Classification Process June 2021. Collection method: clinical testing. Allele origin: germline. Affected: yes.
Comment: Not observed at significant frequency in large population cohorts (gnomAD); In silico analysis supports that this missense variant has a deleterious effect on protein structure/function; Has not been previously published as pathogenic or benign to our knowledge